The following is an entry in ClinVar:

NM_014780.5(CUL7):c.4731C>T (p.Ala1577=)

Gene: CUL7 (cullin 7; minus strand). Cytogenetic location: 6p21.1.
Variant type: single nucleotide variant.
Coding change: c.4731C>T on transcript NM_014780.5 (MANE Select); coding-DNA position 4731, C replaced by T.
Protein change: p.Ala1577=; no amino-acid change (alanine 1577 retained).
Molecular consequence: synonymous variant.
Genome position (GRCh38, 1-based): chr6:43,038,309, G>A on the plus strand (C>T on the coding strand, the complement: CUL7 is on the minus strand). VCF-style: chr6-43038309-G-A. GRCh37 (hg19) VCF-style: chr6-43006047-G-A.
Other names: c.4827C>T, p.Ala1609= (NM_001168370.2, NM_001374872.1); c.4743C>T, p.Ala1581= (NM_001374873.1); c.4728C>T, p.Ala1576= (NM_001374874.1); c.4731C>T (NM_014780.4).
Identifiers: ClinVar variation 1169930 (VCV001169930.11), dbSNP rs141716467, ClinGen allele CA3813129.

ClinVar aggregate classification (germline): Benign. Review status: criteria provided, single submitter (1 of 4 stars). 2 submissions from 2 submitters: Benign (1). 1 of the submissions does not count toward it. Last evaluated 2025-12-19.

Conditions:
CUL7-related disorder. Also called: CUL7-related condition.

Allele frequency attached by ClinVar (database versions not stated): gnomAD exomes 0.00004 and 0.00013; ExAC 0.00015; gnomAD 0.00037 and 0.00038; TOPMed 0.00038; ESP Exome Variant Server 0.00046.
gnomAD v4.1: 110 of 1,614,094 alleles (0.0068%); highest among the groups gnomAD compares: African/African-American, 0.13%; 1 homozygote.

Submissions (2):

Labcorp Genetics (formerly Invitae), Labcorp
Classification: Benign. Last evaluated: 2025-12-19. Review status: criteria provided, single submitter. Criteria: Invitae Variant Classification Sherloc (09022015). Collection method: clinical testing. Allele origin: germline.

PreventionGenetics, part of Exact Sciences
Classification: Likely benign for CUL7-related condition. Last evaluated: 2019-03-12. Review status: no assertion criteria provided. Collection method: clinical testing. Allele origin: germline. Not counted in ClinVar's aggregate classification.
Comment: This variant is classified as likely benign based on ACMG/AMP sequence variant interpretation guidelines (Richards et al. 2015 PMID: 25741868, with internal and published modifications).